The following is an entry in ClinVar:

NM_001042492.3(NF1):c.2325+1G>T

Gene: NF1 (neurofibromin 1; plus strand). Cytogenetic location: 17q11.2.
Variant type: single nucleotide variant.
Coding change: c.2325+1G>T on transcript NM_001042492.3 (MANE Select); the canonical splice donor site of the intron after coding-DNA position 2325, G replaced by T.
Molecular consequence: splice donor variant.
Genome position (GRCh38, 1-based): chr17:31,227,292, G>T. VCF-style: chr17-31227292-G-T. GRCh37 (hg19) VCF-style: chr17-29554310-G-T.
Other names: c.2325+1G>T (NM_000267.4).
Identifiers: ClinVar variation 575838 (VCV000575838.13), dbSNP rs1555613933, ClinGen allele CA398982947.

ClinVar aggregate classification (germline): Pathogenic. Review status: criteria provided, multiple submitters, no conflicts (2 of 4 stars). 6 submissions from 6 submitters: Pathogenic (6). Last evaluated 2026-04-01.

Conditions:
NF1-related disorder. Also called: NF1-related condition. Identifiers: MedGen CN379171.
Neurofibromatosis, type 1 (NF1). Also called: Neurofibromatosis, type I; Peripheral type neurofibromatosis; NEUROFIBROMATOSIS, TYPE I, SOMATIC; VON RECKLINGHAUSEN DISEASE. Identifiers: Orphanet 636, MedGen C0027831, MONDO:0018975, OMIM 162200. Disease mechanism: loss of function.

Submissions (6):

Department of Genetics, Sultan Qaboos University Hospital
Classification: Pathogenic for Neurofibromatosis, type 1. Last evaluated: 2026-04-01. Review status: criteria provided, single submitter. Criteria: ACMG Guidelines, 2015. Collection method: clinical testing. Allele origin: germline. Affected: yes. Observed: 1 variant allele.
Comment: PVS1,PM2,PP5_Very_Strong

GeneDx
Classification: Pathogenic. Last evaluated: 2024-12-30. Review status: criteria provided, single submitter. Criteria: GeneDx Variant Classification Process June 2021. Collection method: clinical testing. Allele origin: germline. Affected: yes.
Comment: Canonical splice site variant demonstrated to result in a null allele in a gene for which loss of function is a known mechanism of disease (PMID: 34080803); Not observed at significant frequency in large population cohorts (gnomAD); This variant is associated with the following publications: (PMID: 34080803, 23758643, 37073110)

Labcorp Genetics (formerly Invitae), Labcorp
Classification: Pathogenic for Neurofibromatosis, type 1. Last evaluated: 2024-02-05. Review status: criteria provided, single submitter. Criteria: Invitae Variant Classification Sherloc (09022015). Collection method: clinical testing. Allele origin: germline.
Comment: This sequence change affects a donor splice site in intron 19 of the NF1 gene. It is expected to disrupt RNA splicing. Variants that disrupt the donor or acceptor splice site typically lead to a loss of protein function (PMID: 16199547), and loss-of-function variants in NF1 are known to be pathogenic (PMID: 10712197, 23913538). This variant is not present in population databases (gnomAD no frequency). Disruption of this splice site has been observed in individuals with neurofibromatosis type I (PMID: 23758643; Invitae). ClinVar contains an entry for this variant (Variation ID: 575838). Algorithms developed to predict the effect of sequence changes on RNA splicing suggest that this variant may disrupt the consensus splice site. For these reasons, this variant has been classified as Pathogenic.

Genome-Nilou Lab
Classification: Pathogenic for Neurofibromatosis, type 1. Last evaluated: 2022-03-15. Review status: criteria provided, single submitter. Criteria: ACMG Guidelines, 2015. Collection method: clinical testing. Allele origin: germline. Affected: no.

Blueprint Genetics
Classification: Pathogenic for NF1-related disorders. Last evaluated: 2018-08-21. Review status: criteria provided, single submitter. Criteria: ACMG Guidelines, 2015. Collection method: clinical testing. Allele origin: germline. Affected: yes. Observed: 1 variant allele.

Medical Molecular Genetics Department, National Research Center
Classification: Pathogenic for Neurofibromatosis, type 1. Review status: criteria provided, single submitter. Criteria: ACMG Guidelines, 2015. Collection method: clinical testing. Allele origin: de novo. Affected: yes. Observed: 1 variant allele.

Literature cited by the submitters: PubMed 16199547 (cited by Labcorp Genetics (formerly Invitae), Labcorp); PubMed 10712197 (cited by Labcorp Genetics (formerly Invitae), Labcorp); PubMed 23913538 (cited by Labcorp Genetics (formerly Invitae), Labcorp); PubMed 23758643 (cited by Labcorp Genetics (formerly Invitae), Labcorp).